The following is an entry in ClinVar:

NM_080680.3(COL11A2):c.706C>T (p.Pro236Ser)

Gene: COL11A2 (collagen type XI alpha 2 chain; minus strand). Cytogenetic location: 6p21.32.
Variant type: single nucleotide variant.
Coding change: c.706C>T on transcript NM_080680.3 (MANE Select); coding-DNA position 706, C replaced by T.
Protein change: p.Pro236Ser; replaces proline 236 with serine.
Molecular consequence: missense variant.
Genome position (GRCh38, 1-based): chr6:33,186,719, G>A on the plus strand (C>T on the coding strand, the complement: COL11A2 is on the minus strand). VCF-style: chr6-33186719-G-A. GRCh37 (hg19) VCF-style: chr6-33154496-G-A.
Other names: c.706C>T, p.Pro236Ser (NM_001163771.2, NM_080679.3, NM_080681.3); short protein forms P236S.
Identifiers: ClinVar variation 388231 (VCV000388231.69), dbSNP rs35116188, ClinGen allele CA3751591.

ClinVar aggregate classification (germline): Conflicting classifications of pathogenicity. Review status: criteria provided, conflicting classifications (1 of 4 stars). 9 submissions from 9 submitters: Uncertain significance (5); Likely benign (4). Last evaluated 2026-03-23.

Conditions:
COL11A2-related disorder. Also called: COL11A2-related disorders; COL11A2-related condition.
Connective tissue disorder. Also called: Connective tissue disease. Identifiers: MedGen C0009782, MONDO:0003900.

Allele frequency attached by ClinVar (database versions not stated): ExAC 0.00032; gnomAD exomes 0.00034 and 0.00091; TOPMed 0.00040; gnomAD 0.00042 and 0.00044; ESP Exome Variant Server 0.00077.
gnomAD v4.1: 1,357 of 1,613,940 alleles (0.084%); highest among the groups gnomAD compares: Non-Finnish European, 0.11%; 2 homozygotes.

Submissions (9):

PreventionGenetics, part of Exact Sciences
Classification: Uncertain significance for COL11A2-related condition. Last evaluated: 2026-03-23. Review status: criteria provided, single submitter. Criteria: ACMG Guidelines, 2015. Collection method: clinical testing. Allele origin: germline.
Comment: The COL11A2 c.706C>T variant is predicted to result in the amino acid substitution p.Pro236Ser. To our knowledge, this variant has not been reported in the literature. This variant is reported in 0.074% of alleles in individuals of European (Non-Finnish) descent in gnomAD. Although we suspect that this variant may be benign, at this time, the clinical significance of this variant is uncertain due to the absence of conclusive functional and genetic evidence.

CeGaT Center for Human Genetics Tuebingen
Classification: Likely benign. Last evaluated: 2026-02-01. Review status: criteria provided, single submitter. Criteria: CeGaT Center For Human Genetics Tuebingen Variant Classification Criteria Version 2. Collection method: clinical testing. Allele origin: germline. Affected: yes. Observed: 4 variant alleles.
Comment: COL11A2: BS2

Labcorp Genetics (formerly Invitae), Labcorp
Classification: Likely benign. Last evaluated: 2026-01-19. Review status: criteria provided, single submitter. Criteria: Invitae Variant Classification Sherloc (09022015). Collection method: clinical testing. Allele origin: germline.

GeneDx
Classification: Uncertain significance. Last evaluated: 2025-11-23. Review status: criteria provided, single submitter. Criteria: GeneDx Variant Classification Process June 2021. Collection method: clinical testing. Allele origin: germline. Affected: yes.
Comment: In silico analysis supports that this missense variant has a deleterious effect on protein structure/function; Has not been previously published as pathogenic or benign to our knowledge

Blueprint Genetics
Classification: Likely benign. Last evaluated: 2024-11-18. Review status: criteria provided, single submitter. Criteria: ACMG Guidelines, 2015. Collection method: clinical testing. Allele origin: germline.

Eurofins Ntd Llc (ga)
Classification: Uncertain significance. Last evaluated: 2018-03-02. Review status: criteria provided, single submitter. Criteria: EGL ClinVar v180209 classification definitions. Collection method: clinical testing. Allele origin: germline. Observed: 1 variant allele, 1 heterozygote.

ARUP Laboratories, Molecular Genetics and Genomics, ARUP Laboratories
Classification: Uncertain significance. Last evaluated: 2017-08-25. Review status: criteria provided, single submitter. Criteria: ARUP Molecular Germline Variant Investigation Process. Collection method: clinical testing. Allele origin: germline.
Comment: The p.Pro236Ser variant (rs35116188) has not been reported in the medical literature nor has it been previously identified in our laboratory. The p.Pro236Ser variant is listed in the Genome Aggregation Database (gnomAD) browser with an allele frequency of 0.074% in the non-Finnish European population (identified in 94 out of 126,692 chromosomes), and is classified as a variant of uncertain significance in ClinVar (Variant ID: 388231). The proline at codon 236 is highly conserved considering 11 species up to giant panda (Alamut software v2.9), but computational analyses predict conflicting effects of this variant on protein structure/function (SIFT: tolerated, PolyPhen2: benign, MutationTaster: disease causing). Based on the available information, the clinical significance of the p.Pro236Ser variant cannot be determined with certainty.

Center for Human Genetics, Inc
Classification: Likely benign for Connective tissue disorder. Last evaluated: 2016-11-01. Review status: criteria provided, single submitter. Criteria: ACMG Guidelines, 2015. Collection method: clinical testing. Allele origin: germline. Affected: yes.

Laboratory for Molecular Medicine, Mass General Brigham Personalized Medicine
Classification: Uncertain significance. Last evaluated: 2016-04-25. Review status: criteria provided, single submitter. Criteria: LMM Criteria. Collection method: clinical testing. Allele origin: germline. Observed: 1 variant allele.
Comment: The p.Pro236Ser variant in COL11A2 has not been previously reported in individua ls with hearing loss, but has been identified in 0.1% (38/66740) of European chr omosomes by the Exome Aggregation Consortium (ExAC, rg; dbSNP rs35116188). Although this variant has been seen in the general popula tion, its frequency is not high enough to rule out a pathogenic role. Proline (P ro) at position 236 is not conserved in mammals or evolutionarily distant specie s and one mammal (Bushbaby) carries a Serine (Ser), raising the possibility that this change may be tolerated. Additional computational prediction tools do not provide strong support for or against an impact to the protein. In summary, th e clinical significance of the p.Pro236Ser variant is uncertain.